The following is an entry in ClinVar:

NM_000136.3(FANCC):c.1177_1178dup (p.Ser393fs)

Genes: AOPEP (aminopeptidase O (putative); plus strand), FANCC (FA complementation group C; minus strand). Cytogenetic location: 9q22.32.
Variant type: Microsatellite.
Coding change: c.1177_1178dup on transcript NM_000136.3 (MANE Select); coding-DNA positions 1177 to 1178, 2 bases duplicated (AG; older notation c.1177_1178dupAG).
Protein change: p.Ser393fs; shifts the reading frame from serine 393.
Molecular consequence: frameshift variant.
Genome position (GRCh38, 1-based): chr9:95,111,614-95,111,615, CT duplicated on the plus strand (AG on the coding strand, the reverse complement: FANCC is on the minus strand); duplicating any 2 consecutive bases within chr9:95,111,614-95,111,618 gives the same sequence; the c. name uses the placement nearest the transcript's 3' end. VCF-style (leftmost placement, unchanged base first): chr9-95111613-G-GCT. GRCh37 (hg19) VCF-style: chr9-97873895-G-GCT.
Other names: c.1177_1178dup, p.Ser393fs (NM_001243743.2, NM_001243744.2); short protein forms S393fs.
Identifiers: ClinVar variation 557322 (VCV000557322.7), dbSNP rs1554829561, ClinGen allele CA658822336.

ClinVar aggregate classification (germline): Pathogenic. Review status: criteria provided, single submitter (1 of 4 stars). 2 submissions from 2 submitters: Pathogenic (1). 1 of the submissions does not count toward it. Last evaluated 2021-04-23.

Conditions:
Fanconi anemia (FA). Also called: Fanconi's anemia. Identifiers: Orphanet 84, MedGen C0015625, MeSH D005199, MONDO:0019391.
Fanconi anemia complementation group C (FANCC). Also called: Fanconi anemia, group C; FANCONI PANCYTOPENIA, TYPE 3; FACC; FANCC-Related Fanconi Anemia. Identifiers: Orphanet 84, MedGen C3468041, MONDO:0009213, OMIM 227645.

Submissions (2):

Labcorp Genetics (formerly Invitae), Labcorp
Classification: Pathogenic for Fanconi anemia. Last evaluated: 2021-04-23. Review status: criteria provided, single submitter. Criteria: Invitae Variant Classification Sherloc (09022015). Collection method: clinical testing. Allele origin: germline.
Comment: For these reasons, this variant has been classified as Pathogenic. This variant has not been reported in the literature in individuals with FANCC-related conditions. This variant is not present in population databases (ExAC no frequency). This sequence change creates a premature translational stop signal (p.Ser393Argfs*21) in the FANCC gene. It is expected to result in an absent or disrupted protein product. Loss-of-function variants in FANCC are known to be pathogenic (PMID: 17924555).

Counsyl
Classification: Likely pathogenic for Fanconi anemia complementation group C. Last evaluated: 2018-03-16. Review status: no assertion criteria provided. Collection method: clinical testing. Allele origin: unknown. Not counted in ClinVar's aggregate classification.

Literature cited by the submitters: PubMed 17924555 (cited by Labcorp Genetics (formerly Invitae), Labcorp).